The following is an entry in ClinVar:

NM_005548.3(KARS1):c.63-2698C>T

Gene: KARS1 (lysyl-tRNA synthetase 1; minus strand). Cytogenetic location: 16q23.1.
Variant type: single nucleotide variant.
Coding change: c.63-2698C>T on transcript NM_005548.3 (MANE Select); 2698 bases into the intron before coding-DNA position 63, C replaced by T.
Molecular consequence: intron variant. On other transcripts: missense variant (1).
Genome position (GRCh38, 1-based): chr16:75,644,421, G>A on the plus strand (C>T on the coding strand, the complement: KARS1 is on the minus strand). VCF-style: chr16-75644421-G-A. GRCh37 (hg19) VCF-style: chr16-75678319-G-A.
Other names: p.Thr3Met; c.8C>T, p.Thr3Met (NM_001130089.2); c.-406-2698C>T (NM_001378148.1); short protein forms T3M.
Identifiers: ClinVar variation 3862444 (VCV003862444.2).

ClinVar aggregate classification (germline): Uncertain significance. Review status: criteria provided, multiple submitters, no conflicts (2 of 4 stars). 2 submissions from 2 submitters: Uncertain significance (2). Last evaluated 2025-03-19.

Submissions (2):

Mayo Clinic Laboratories, Mayo Clinic
Classification: Uncertain significance. Last evaluated: 2025-03-19. Review status: criteria provided, single submitter. Criteria: ACMG Guidelines, 2015. Collection method: clinical testing. Allele origin: germline. Observed: 1 variant allele.
Comment: BP4

Ambry Genetics
Classification: Uncertain significance. Last evaluated: 2024-12-11. Review status: criteria provided, single submitter. Criteria: Ambry Variant Classification Scheme 2023. Collection method: clinical testing. Allele origin: germline.